The following is an entry in ClinVar:

ClinVar aggregate classification (germline): Uncertain significance (1 of 4 stars; one submission).

Submission:

Ambry Genetics
Classification: Uncertain significance. Last evaluated: 2023-03-22. Review status: criteria provided, single submitter. Criteria: Ambry Variant Classification Scheme 2023. Collection method: clinical testing. Allele origin: germline.
Comment: The p.I737V variant (also known as c.2209A>G), located in coding exon 14 of the POLQ gene, results from an A to G substitution at nucleotide position 2209. The isoleucine at codon 737 is replaced by valine, an amino acid with highly similar properties. This amino acid position is conserved. In addition, this alteration is predicted to be tolerated by in silico analysis. Since supporting evidence is limited at this time, the clinical significance of this alteration remains unclear.

NM_199420.4(POLQ):c.2209A>G (p.Ile737Val)

Gene: POLQ (DNA polymerase theta; minus strand). Cytogenetic location: 3q13.33.
Variant type: single nucleotide variant.
Coding change: c.2209A>G on transcript NM_199420.4 (MANE Select); coding-DNA position 2209, A replaced by G.
Protein change: p.Ile737Val; replaces isoleucine 737 with valine.
Molecular consequence: missense variant.
Genome position (GRCh38, 1-based): chr3:121,496,877, T>C on the plus strand (A>G on the coding strand, the complement: POLQ is on the minus strand). VCF-style: chr3-121496877-T-C. GRCh37 (hg19) VCF-style: chr3-121215724-T-C.
Other names: short protein forms I737V.
Identifiers: ClinVar variation 2561757 (VCV002561757.2), dbSNP rs2546793688, ClinGen allele CA354109143.